The following is an entry in ClinVar:

NM_182972.3(IRF2BP2):c.1608_1609del (p.Ser537fs)

Gene: IRF2BP2 (interferon regulatory factor 2 binding protein 2; minus strand). Cytogenetic location: 1q42.3.
Variant type: Deletion.
Coding change: c.1608_1609del on transcript NM_182972.3 (MANE Select); coding-DNA positions 1608 to 1609, 2 bases deleted (AA; older notation c.1608_1609delAA).
Protein change: p.Ser537fs; shifts the reading frame from serine 537.
Molecular consequence: frameshift variant.
Genome position (GRCh38, 1-based): chr1:234,607,292-234,607,293, TT deleted on the plus strand (AA on the coding strand, the reverse complement: IRF2BP2 is on the minus strand); deleting any 2 consecutive bases within chr1:234,607,292-234,607,294 gives the same sequence; the c. name uses the placement nearest the transcript's 3' end. VCF-style (leftmost placement, unchanged base first): chr1-234607291-CTT-C. GRCh37 (hg19) VCF-style: chr1-234743037-CTT-C.
Other names: c.1560_1561del, p.Ser521fs (NM_001077397.1); short protein forms S521fs, S537fs.
Identifiers: ClinVar variation 3647490 (VCV003647490.2).

ClinVar aggregate classification (germline): Uncertain significance (1 of 4 stars; one submission).

Submission:

Labcorp Genetics (formerly Invitae), Labcorp
Classification: Uncertain significance. Last evaluated: 2024-03-24. Review status: criteria provided, single submitter. Criteria: Invitae Variant Classification Sherloc (09022015). Collection method: clinical testing. Allele origin: germline.
Comment: This sequence change creates a premature translational stop signal (p.Ser537Hisfs*7) in the IRF2BP2 gene. While this is not anticipated to result in nonsense mediated decay, it is expected to disrupt the last 51 amino acid(s) of the IRF2BP2 protein. This variant is not present in population databases (gnomAD no frequency). This variant has not been reported in the literature in individuals affected with IRF2BP2-related conditions. Experimental studies and prediction algorithms are not available or were not evaluated, and the functional significance of this variant is currently unknown. In summary, the available evidence is currently insufficient to determine the role of this variant in disease. Therefore, it has been classified as a Variant of Uncertain Significance.